The following is an entry in ClinVar:

ClinVar aggregate classification (germline): Uncertain significance. Review status: criteria provided, multiple submitters, no conflicts (2 of 4 stars). 4 submissions from 4 submitters: Uncertain significance (3). 1 of the submissions does not count toward it. Last evaluated 2023-10-05.

Conditions:
Inborn genetic diseases. Identifiers: MedGen C0950123, MeSH D030342.
Usher syndrome type 1F (USH1F). Also called: USHER SYNDROME, TYPE IF. Identifiers: Orphanet 231169, Orphanet 886, MedGen C1865885, MONDO:0011186, OMIM 602083.

Allele frequency attached by ClinVar (database versions not stated): ExAC 0.00001.
gnomAD v4.1: 1 of 1,613,526 alleles (0.000062%); highest among the groups gnomAD compares: Non-Finnish European, 0.000085%; no homozygotes.

Submissions (4):

Ambry Genetics
Classification: Uncertain significance for Inborn genetic diseases. Last evaluated: 2023-10-05. Review status: criteria provided, single submitter. Criteria: Ambry Variant Classification Scheme 2023. Collection method: clinical testing. Allele origin: germline.

Labcorp Genetics (formerly Invitae), Labcorp
Classification: Uncertain significance. Last evaluated: 2022-08-16. Review status: criteria provided, single submitter. Criteria: Invitae Variant Classification Sherloc (09022015). Collection method: clinical testing. Allele origin: germline.
Comment: This sequence change replaces glutamic acid, which is acidic and polar, with alanine, which is neutral and non-polar, at codon 731 of the PCDH15 protein (p.Glu731Ala). This variant is not present in population databases (gnomAD no frequency). This variant has not been reported in the literature in individuals affected with PCDH15-related conditions. ClinVar contains an entry for this variant (Variation ID: 452717). Algorithms developed to predict the effect of missense changes on protein structure and function are either unavailable or do not agree on the potential impact of this missense change (SIFT: "Deleterious"; PolyPhen-2: "Possibly Damaging"; Align-GVGD: "Class C0"). In summary, the available evidence is currently insufficient to determine the role of this variant in disease. Therefore, it has been classified as a Variant of Uncertain Significance.

GeneDx
Classification: Uncertain significance. Last evaluated: 2017-10-09. Review status: criteria provided, single submitter. Criteria: GeneDx Variant Classification (06012015). Collection method: clinical testing. Allele origin: germline. Affected: yes.
Comment: The E731A variant in the PCDH15 gene has not been reported previously as a pathogenic variant, nor as a benign variant, to our knowledge. The E731A variant is not observed in large population cohorts (Lek et al., 2016). The E731A variant is a non-conservative amino acid substitution, which occurs at a position that is not conserved. In silico analysis predicts this variant is probably damaging to the protein structure/function. We interpret E731A as a variant of uncertain significance.

Natera, Inc.
Classification: Uncertain significance for Usher syndrome type 1F. Last evaluated: 2020-02-26. Review status: no assertion criteria provided. Collection method: clinical testing. Allele origin: germline. Not counted in ClinVar's aggregate classification.

NM_001384140.1(PCDH15):c.2192A>C (p.Glu731Ala)

Gene: PCDH15 (protocadherin related 15; minus strand). Cytogenetic location: 10q21.1.
Variant type: single nucleotide variant.
Coding change: c.2192A>C on transcript NM_001384140.1 (MANE Select); coding-DNA position 2192, A replaced by C.
Protein change: p.Glu731Ala; replaces glutamic acid 731 with alanine.
Molecular consequence: missense variant.
Genome position (GRCh38, 1-based): chr10:54,066,785, T>G on the plus strand (A>C on the coding strand, the complement: PCDH15 is on the minus strand). VCF-style: chr10-54066785-T-G. GRCh37 (hg19) VCF-style: chr10-55826545-T-G.
Other names: c.2207A>C, p.Glu736Ala (NM_001142763.2, NM_001142771.2); c.2192A>C, p.Glu731Ala (NM_001142764.2, NM_001142766.2, NM_001142770.3 and 5 more transcripts); c.1979A>C, p.Glu660Ala (NM_001142765.2); c.2081A>C, p.Glu694Ala (NM_001142767.2); c.2126A>C, p.Glu709Ala (NM_001142768.2, NM_001142773.2, NM_001354404.2); c.2228A>C, p.Glu743Ala (NM_001142769.4); c.2213A>C, p.Glu738Ala (NM_001354411.2); short protein forms E731A, E709A, E743A, E736A, E660A, E694A, E738A.
Identifiers: ClinVar variation 452717 (VCV000452717.7), dbSNP rs749438162, ClinGen allele CA5506105.